The following is an entry in ClinVar:

ClinVar aggregate classification (germline): Uncertain significance. Review status: criteria provided, multiple submitters, no conflicts (2 of 4 stars). 2 submissions from 2 submitters: Uncertain significance (2). Last evaluated 2022-05-03.

Conditions:
Muscular dystrophy-dystroglycanopathy type B6 (MDDGB6). Also called: MUSCULAR DYSTROPHY-DYSTROGLYCANOPATHY (CONGENITAL WITH IMPAIRED INTELLECTUAL DEVELOPMENT), TYPE B, 6; MUSCULAR DYSTROPHY, CONGENITAL, LARGE-RELATED; MUSCULAR DYSTROPHY, CONGENITAL, TYPE 1D. Identifiers: MedGen C1837229, MONDO:0012138, OMIM 608840.

Allele frequency attached by ClinVar (database versions not stated): gnomAD 0.00001; gnomAD exomes 0.00002 and 0.00005; TOPMed 0.00003; ExAC 0.00004; 1000 Genomes Project 30x 0.00016; 1000 Genomes Project 0.00020.
gnomAD v4.1: 35 of 1,614,120 alleles (0.0022%); highest among the groups gnomAD compares: Admixed American, 0.0033%; no homozygotes.

Submissions (2):

Labcorp Genetics (formerly Invitae), Labcorp
Classification: Uncertain significance for Muscular dystrophy-dystroglycanopathy type B6. Last evaluated: 2022-05-03. Review status: criteria provided, single submitter. Criteria: Invitae Variant Classification Sherloc (09022015). Collection method: clinical testing. Allele origin: germline.
Comment: This sequence change replaces asparagine, which is neutral and polar, with serine, which is neutral and polar, at codon 410 of the LARGE1 protein (p.Asn410Ser). This variant is present in population databases (rs199912424, gnomAD 0.008%). This variant has not been reported in the literature in individuals affected with LARGE1-related conditions. ClinVar contains an entry for this variant (Variation ID: 464467). Algorithms developed to predict the effect of missense changes on protein structure and function (SIFT, PolyPhen-2, Align-GVGD) all suggest that this variant is likely to be tolerated. In summary, the available evidence is currently insufficient to determine the role of this variant in disease. Therefore, it has been classified as a Variant of Uncertain Significance.

Revvity Omics, Revvity
Classification: Uncertain significance. Last evaluated: 2021-09-03. Review status: criteria provided, single submitter. Criteria: ACMG Guidelines, 2015. Collection method: clinical testing. Allele origin: germline.

NM_133642.5(LARGE1):c.1229A>G (p.Asn410Ser)

Gene: LARGE1 (LARGE xylosyl- and glucuronyltransferase 1; minus strand). Cytogenetic location: 22q12.3.
Variant type: single nucleotide variant.
Coding change: c.1229A>G on transcript NM_133642.5 (MANE Select); coding-DNA position 1229, A replaced by G.
Protein change: p.Asn410Ser; replaces asparagine 410 with serine.
Molecular consequence: missense variant. On other transcripts: intron variant (2).
Genome position (GRCh38, 1-based): chr22:33,337,704, T>C on the plus strand (A>G on the coding strand, the complement: LARGE1 is on the minus strand). VCF-style: chr22-33337704-T-C. GRCh37 (hg19) VCF-style: chr22-33733690-T-C.
Other names: c.1229A>G, p.Asn410Ser (NM_001362949.2, NM_001362951.2, NM_001362953.2 and 6 more transcripts); c.626A>G, p.Asn209Ser (NM_001378630.1); c.1132-21456A>G (NM_001378629.1); c.529-21456A>G (NM_001378631.1); c.1229A>G (NM_004737.6); short protein forms N410S, N209S.
Identifiers: ClinVar variation 464467 (VCV000464467.8), dbSNP rs199912424, ClinGen allele CA10202820.
Genomic context (GRCh38, chr22:33,337,704, plus strand): 5'-ACGTTTTCACTGTTGACATCAGCCTCACTGGGGCAGCCAAACAGTTCCCGCCTCAGAAGA[T>C]TGCCGTCATACTCCAGGAAGGTCAGGTAGAGGTTGCGAAAAAACTCCACATGCTTGTTCT-3'
Protein context (NP_598397.1, residues 400-420): LYLTFLEYDG[Asn410Ser]LLRRELFGCP